The following is an entry in ClinVar:

ClinVar aggregate classification (germline): Uncertain significance (1 of 4 stars; one submission).

Allele frequency attached by ClinVar (database versions not stated): ExAC 0.00001; gnomAD exomes 0.00001.
gnomAD v4.1: 7 of 1,612,342 alleles (0.00043%); highest among the groups gnomAD compares: Non-Finnish European, 0.00059%; no homozygotes.

Submission:

Labcorp Genetics (formerly Invitae), Labcorp
Classification: Uncertain significance. Last evaluated: 2022-04-28. Review status: criteria provided, single submitter. Criteria: Invitae Variant Classification Sherloc (09022015). Collection method: clinical testing. Allele origin: germline.
Comment: This variant has not been reported in the literature in individuals affected with AK7-related conditions. This sequence change falls in intron 15 of the AK7 gene. It does not directly change the encoded amino acid sequence of the AK7 protein. This variant is present in population databases (rs776644689, gnomAD 0.002%). Algorithms developed to predict the effect of sequence changes on RNA splicing suggest that this variant may disrupt the consensus splice site. In summary, the available evidence is currently insufficient to determine the role of this variant in disease. Therefore, it has been classified as a Variant of Uncertain Significance.

NM_152327.5(AK7):c.1754-17T>C

Gene: AK7 (adenylate kinase 7; plus strand). Cytogenetic location: 14q32.2.
Variant type: single nucleotide variant.
Coding change: c.1754-17T>C on transcript NM_152327.5 (MANE Select); 17 bases into the intron before coding-DNA position 1754, T replaced by C.
Molecular consequence: intron variant.
Genome position (GRCh38, 1-based): chr14:96,482,982, T>C. VCF-style: chr14-96482982-T-C. GRCh37 (hg19) VCF-style: chr14-96949319-T-C.
Other names: c.1685-17T>C (NM_001350888.2, NM_001350890.2); c.1556-17T>C (NM_001350892.2); c.1676-17T>C (NM_001350891.2).
Identifiers: ClinVar variation 1912432 (VCV001912432.5), dbSNP rs776644689, ClinGen allele CA7337962.